The following is an entry in ClinVar:

ClinVar aggregate classification (germline): Uncertain significance. Review status: criteria provided, single submitter (1 of 4 stars). 2 submissions from 2 submitters: Uncertain significance (1). 1 of the submissions does not count toward it. Last evaluated 2023-02-19.

Conditions:
Hereditary breast ovarian cancer syndrome. Also called: Hereditary breast and ovarian cancer syndrome; Hereditary breast and ovarian cancer; Hereditary breast and ovarian cancer syndrome (HBOC); Breast and ovarian cancer; Hereditary breast and/or ovarian cancer syndrome; BRCA1- and BRCA2-Associated Hereditary Breast and Ovarian Cancer. Identifiers: Orphanet 145, MedGen C0677776, MeSH D061325, MONDO:0003582. Disease mechanism: loss of function.
Breast-ovarian cancer, familial, susceptibility to, 2 (BROVCA2). Also called: BRCA2 Hereditary Breast and Ovarian Cancer. Identifiers: Orphanet 145, MedGen C2675520, MONDO:0012933, OMIM 612555. Disease mechanism: loss of function.

Submissions (2):

Labcorp Genetics (formerly Invitae), Labcorp
Classification: Uncertain significance for Hereditary breast ovarian cancer syndrome. Last evaluated: 2023-02-19. Review status: criteria provided, single submitter. Criteria: Invitae Variant Classification Sherloc (09022015). Collection method: clinical testing. Allele origin: germline.
Comment: In summary, the available evidence is currently insufficient to determine the role of this variant in disease. Therefore, it has been classified as a Variant of Uncertain Significance. Advanced modeling of protein sequence and biophysical properties (such as structural, functional, and spatial information, amino acid conservation, physicochemical variation, residue mobility, and thermodynamic stability) performed at Invitae indicates that this missense variant is not expected to disrupt BRCA2 protein function. ClinVar contains an entry for this variant (Variation ID: 51044). This variant has not been reported in the literature in individuals affected with BRCA2-related conditions. This variant is not present in population databases (gnomAD no frequency). This sequence change replaces threonine, which is neutral and polar, with serine, which is neutral and polar, at codon 3371 of the BRCA2 protein (p.Thr3371Ser).

Breast Cancer Information Core (BIC) (BRCA2)
Classification: Uncertain significance for Breast-ovarian cancer, familial 2. Last evaluated: 2004-02-20. Review status: no assertion criteria provided. Collection method: clinical testing. Allele origin: germline. Affected: yes. Observed: 1 variant allele. Not counted in ClinVar's aggregate classification.

NM_000059.4(BRCA2):c.10112C>G (p.Thr3371Ser)

Gene: BRCA2 (BRCA2 DNA repair associated; plus strand). Cytogenetic location: 13q13.1.
Variant type: single nucleotide variant.
Coding change: c.10112C>G on transcript NM_000059.4 (MANE Select); coding-DNA position 10112, C replaced by G.
Protein change: p.Thr3371Ser; replaces threonine 3371 with serine.
Molecular consequence: missense variant.
Genome position (GRCh38, 1-based): chr13:32,398,625, C>G. VCF-style: chr13-32398625-C-G. GRCh37 (hg19) VCF-style: chr13-32972762-C-G.
Other names: short protein forms T3371S.
Identifiers: ClinVar variation 51044 (VCV000051044.7), dbSNP rs80358394, ClinGen allele CA010286.
Genomic context (GRCh38, chr13:32,398,625, plus strand): 5'-CTCTTTTGTCTGGTTCAACAGGAGAAAAACAATTTATATCTGTCAGTGAATCCACTAGGA[C>G]TGCTCCCACCAGTTCAGAAGATTATCTCAGACTGAAACGACGTTGTACTACATCTCTGAT-3'
Protein context (NP_000050.3, residues 3361-3381): QFISVSESTR[Thr3371Ser]APTSSEDYLR